The following is an entry in ClinVar:

NM_198503.5(KCNT2):c.86A>G (p.Asn29Ser)

Gene: KCNT2 (potassium sodium-activated channel subfamily T member 2; minus strand). Cytogenetic location: 1q31.3.
Variant type: single nucleotide variant.
Coding change: c.86A>G on transcript NM_198503.5 (MANE Select); coding-DNA position 86, A replaced by G.
Protein change: p.Asn29Ser; replaces asparagine 29 with serine.
Molecular consequence: missense variant. On other transcripts: non-coding transcript variant (2).
Genome position (GRCh38, 1-based): chr1:196,608,224, T>C on the plus strand (A>G on the coding strand, the complement: KCNT2 is on the minus strand). VCF-style: chr1-196608224-T-C. GRCh37 (hg19) VCF-style: chr1-196577354-T-C.
Other names: c.86A>G, p.Asn29Ser (NM_001287819.3, NM_001287820.3); short protein forms N29S.
Identifiers: ClinVar variation 2585255 (VCV002585255.1), dbSNP rs371208932, ClinGen allele CA1304868.

ClinVar aggregate classification (germline): Uncertain significance (1 of 4 stars; one submission).

Conditions:
Developmental and epileptic encephalopathy, 57. Also called: EPILEPTIC ENCEPHALOPATHY, EARLY INFANTILE, 57. Identifiers: MedGen C4540411, MONDO:0033366, OMIM 617771.

Allele frequency attached by ClinVar (database versions not stated): ESP Exome Variant Server 0.00008; TOPMed 0.00014; gnomAD 0.00065; gnomAD exomes 0.00122; ExAC 0.00286; 1000 Genomes Project 30x 0.00437; 1000 Genomes Project 0.00499.
gnomAD v4.1: 1,897 of 1,613,942 alleles (0.12%); highest among the groups gnomAD compares: South Asian, 1.9%; 36 homozygotes.

Submission:

Neuberg Centre For Genomic Medicine, NCGM
Classification: Uncertain significance for Developmental and epileptic encephalopathy, 57. Review status: criteria provided, single submitter. Criteria: ACMG Guidelines, 2015. Collection method: clinical testing. Allele origin: germline. Inheritance: Autosomal dominant inheritance. Affected: yes.
Comment: The missense variant c.86A>G (p.Asn29Ser) in KCNT2 gene has not been reported previously as a pathogenic variant nor as a benign variant, to our knowledge. This variant is reported with the allele frequency 0.22% in the gnomad and 0.50% in 1000 genome database. The amino acid Asparagine at position 29 is changed to a Serine changing protein sequence and it might alter its composition and physico-chemical properties. In silico tools predict the variant to be tolerated. The residue is conserved across species. For these reasons, this variant has been classified as Uncertain Significance.